The following is an entry in ClinVar:

NM_006030.4(CACNA2D2):c.616G>A (p.Ala206Thr)

Gene: CACNA2D2 (calcium voltage-gated channel auxiliary subunit alpha2delta 2; minus strand). Cytogenetic location: 3p21.31.
Variant type: single nucleotide variant.
Coding change: c.616G>A on transcript NM_006030.4 (MANE Select); coding-DNA position 616, G replaced by A.
Protein change: p.Ala206Thr; replaces alanine 206 with threonine.
Molecular consequence: missense variant.
Genome position (GRCh38, 1-based): chr3:50,384,232, C>T on the plus strand (G>A on the coding strand, the complement: CACNA2D2 is on the minus strand). VCF-style: chr3-50384232-C-T. GRCh37 (hg19) VCF-style: chr3-50421663-C-T.
Other names: c.616G>A, p.Ala206Thr (NM_001005505.3, NM_001174051.3); c.409G>A, p.Ala137Thr (NM_001291101.1); c.616G>A (NM_001174051.1); short protein forms A206T, A137T.
Identifiers: ClinVar variation 941467 (VCV000941467.7), dbSNP rs199903642, ClinGen allele CA2419133.

ClinVar aggregate classification (germline): Conflicting classifications of pathogenicity. Review status: criteria provided, conflicting classifications (1 of 4 stars). 3 submissions from 3 submitters: Uncertain significance (1); Likely benign (2). Last evaluated 2025-08-12.

Conditions:
Inborn genetic diseases. Identifiers: MedGen C0950123, MeSH D030342.
Developmental and epileptic encephalopathy. Identifiers: MedGen C5779964, MONDO:0100620.

Allele frequency attached by ClinVar (database versions not stated): ExAC 0.00002; gnomAD exomes 0.00002 and 0.00004; TOPMed 0.00002; gnomAD 0.00003 and 0.00004; 1000 Genomes Project 0.00020.

Submissions (3):

Ambry Genetics
Classification: Likely benign for Inborn genetic diseases. Last evaluated: 2025-08-12. Review status: criteria provided, single submitter. Criteria: Ambry Variant Classification Scheme 2023. Collection method: clinical testing. Allele origin: germline.

Blueprint Genetics
Classification: Likely benign. Last evaluated: 2024-11-22. Review status: criteria provided, single submitter. Criteria: ACMG Guidelines, 2015. Collection method: clinical testing. Allele origin: germline.

Labcorp Genetics (formerly Invitae), Labcorp
Classification: Uncertain significance for Early-infantile DEE. Last evaluated: 2022-06-20. Review status: criteria provided, single submitter. Criteria: Invitae Variant Classification Sherloc (09022015). Collection method: clinical testing. Allele origin: germline.
Comment: This sequence change replaces alanine, which is neutral and non-polar, with threonine, which is neutral and polar, at codon 206 of the CACNA2D2 protein (p.Ala206Thr). This variant is present in population databases (rs199903642, gnomAD 0.006%). This variant has not been reported in the literature in individuals affected with CACNA2D2-related conditions. ClinVar contains an entry for this variant (Variation ID: 941467). Algorithms developed to predict the effect of missense changes on protein structure and function output the following: SIFT: "Tolerated"; PolyPhen-2: "Benign"; Align-GVGD: "Class C0". The threonine amino acid residue is found in multiple mammalian species, which suggests that this missense change does not adversely affect protein function. In summary, the available evidence is currently insufficient to determine the role of this variant in disease. Therefore, it has been classified as a Variant of Uncertain Significance.